The following is an entry in ClinVar:

ClinVar aggregate classification (germline): Uncertain significance. Review status: criteria provided, multiple submitters, no conflicts (2 of 4 stars). 2 submissions from 2 submitters: Uncertain significance (2). Last evaluated 2026-06-08.

Conditions:
Hereditary cancer-predisposing syndrome. Also called: Neoplastic Syndromes, Hereditary; Tumor predisposition; Hereditary Cancer Syndrome; Hereditary neoplastic syndrome. Identifiers: Orphanet 140162, MedGen C0027672, MeSH D009386, MONDO:0015356.
Hereditary diffuse gastric adenocarcinoma (HDGC). Also called: DIFFUSE GASTRIC AND LOBULAR BREAST CANCER SYNDROME. Identifiers: Orphanet 26106, MedGen C1708349, MONDO:0007648, OMIM 137215.

Submissions (2):

Ambry Genetics
Classification: Uncertain significance for Hereditary cancer-predisposing syndrome. Last evaluated: 2026-06-08. Review status: criteria provided, single submitter. Criteria: Ambry Variant Classification Scheme 2023. Collection method: clinical testing. Allele origin: germline.
Comment: The p.T426S variant (also known as c.1277C>G), located in coding exon 9 of the CDH1 gene, results from a C to G substitution at nucleotide position 1277. The threonine at codon 426 is replaced by serine, an amino acid with similar properties. This amino acid position is conserved. In addition, this alteration is predicted to be tolerated by in silico analysis. Based on the available evidence, the clinical significance of this variant remains unclear.

Labcorp Genetics (formerly Invitae), Labcorp
Classification: Uncertain significance for Hereditary diffuse gastric adenocarcinoma. Last evaluated: 2025-04-27. Review status: criteria provided, single submitter. Criteria: Invitae Variant Classification Sherloc (09022015). Collection method: clinical testing. Allele origin: germline.
Comment: This sequence change replaces threonine, which is neutral and polar, with serine, which is neutral and polar, at codon 426 of the CDH1 protein (p.Thr426Ser). This variant is not present in population databases (gnomAD no frequency). This variant has not been reported in the literature in individuals affected with CDH1-related conditions. ClinVar contains an entry for this variant (Variation ID: 2553339). An algorithm developed to predict the effect of missense changes on protein structure and function (PolyPhen-2) suggests that this variant is likely to be tolerated. In summary, the available evidence is currently insufficient to determine the role of this variant in disease. Therefore, it has been classified as a Variant of Uncertain Significance.

NM_004360.5(CDH1):c.1277C>G (p.Thr426Ser)

Gene: CDH1 (cadherin 1; plus strand). Cytogenetic location: 16q22.1.
Variant type: single nucleotide variant.
Coding change: c.1277C>G on transcript NM_004360.5 (MANE Select); coding-DNA position 1277, C replaced by G.
Protein change: p.Thr426Ser; replaces threonine 426 with serine.
Molecular consequence: missense variant. On other transcripts: 5 prime UTR variant (2), intron variant (1).
Genome position (GRCh38, 1-based): chr16:68,813,452, C>G. VCF-style: chr16-68813452-C-G. GRCh37 (hg19) VCF-style: chr16-68847355-C-G.
Other names: c.-339C>G (NM_001317185.2); c.-543C>G (NM_001317186.2); c.1137+1189C>G (NM_001317184.2); short protein forms T426S.
Identifiers: ClinVar variation 2553339 (VCV002553339.4), dbSNP rs876658901, ClinGen allele CA396461714.